The following is an entry in ClinVar:

ClinVar aggregate classification (germline): Conflicting classifications of pathogenicity. Review status: criteria provided, conflicting classifications (1 of 4 stars). 3 submissions from 3 submitters: Uncertain significance (2); Likely benign (1). Last evaluated 2024-10-22.

Conditions:
Inborn genetic diseases. Identifiers: MedGen C0950123, MeSH D030342.

Allele frequency attached by ClinVar (database versions not stated): gnomAD exomes below 0.00001 and 0.00001; TOPMed 0.00002.
gnomAD v4.1: 3 of 1,470,328 alleles (0.0002%); highest among the groups gnomAD compares: East Asian, 0.009%; no homozygotes.

Submissions (3):

Blueprint Genetics
Classification: Uncertain significance. Last evaluated: 2024-10-22. Review status: criteria provided, single submitter. Criteria: ACMG Guidelines, 2015. Collection method: clinical testing. Allele origin: germline.

Ambry Genetics
Classification: Likely benign for Inborn genetic diseases. Last evaluated: 2024-02-17. Review status: criteria provided, single submitter. Criteria: Ambry Variant Classification Scheme 2023. Collection method: clinical testing. Allele origin: germline.

Labcorp Genetics (formerly Invitae), Labcorp
Classification: Uncertain significance. Last evaluated: 2022-01-18. Review status: criteria provided, single submitter. Criteria: Invitae Variant Classification Sherloc (09022015). Collection method: clinical testing. Allele origin: germline.
Comment: This sequence change replaces glutamic acid, which is acidic and polar, with aspartic acid, which is acidic and polar, at codon 32 of the REEP6 protein (p.Glu32Asp). This variant is present in population databases (no rsID available, gnomAD 0.05%). This variant has not been reported in the literature in individuals affected with REEP6-related conditions. ClinVar contains an entry for this variant (Variation ID: 1009115). Experimental studies and prediction algorithms are not available or were not evaluated, and the functional significance of this variant is currently unknown. In summary, the available evidence is currently insufficient to determine the role of this variant in disease. Therefore, it has been classified as a Variant of Uncertain Significance.

NM_138393.4(REEP6):c.96G>T (p.Glu32Asp)

Genes: REEP6 (receptor accessory protein 6; plus strand), LOC130062963 (ATAC-STARR-seq lymphoblastoid silent region 9724; plus strand). Cytogenetic location: 19p13.3.
Variant type: single nucleotide variant.
Coding change: c.96G>T on transcript NM_138393.4 (MANE Select); coding-DNA position 96, G replaced by T.
Protein change: p.Glu32Asp; replaces glutamic acid 32 with aspartic acid.
Molecular consequence: missense variant.
Genome position (GRCh38, 1-based): chr19:1,491,365, G>T. VCF-style: chr19-1491365-G-T. GRCh37 (hg19) VCF-style: chr19-1491364-G-T.
Other names: c.96G>T (NM_138393.1); c.96G>T, p.Glu32Asp (NM_001329556.3); short protein forms E32D.
Identifiers: ClinVar variation 1009115 (VCV001009115.8), dbSNP rs965484445, ClinGen allele CA304098077.